The following is an entry in ClinVar:

NM_000452.3(SLC10A2):c.586-1G>A

Gene: SLC10A2 (solute carrier family 10 member 2; minus strand). Cytogenetic location: 13q33.1.
Variant type: single nucleotide variant.
Coding change: c.586-1G>A on transcript NM_000452.3 (MANE Select); the canonical splice acceptor site of the intron before coding-DNA position 586, G replaced by A.
Molecular consequence: splice acceptor variant.
Genome position (GRCh38, 1-based): chr13:103,051,433, C>T on the plus strand (G>A on the coding strand, the complement: SLC10A2 is on the minus strand). VCF-style: chr13-103051433-C-T. GRCh37 (hg19) VCF-style: chr13-103703783-C-T.
Identifiers: ClinVar variation 2780170 (VCV002780170.3), dbSNP rs776179675, ClinGen allele CA7042119.
Genomic context (GRCh38, chr13:103,051,433, plus strand): 5'-CAATATTCCTCCAACCACAGCTATGAGCACAATGAGGATGGCGCCCGCGATGGACCCAAT[C>T]TGAAAAAAAAAGGAATAAGTGAACCCAGCAATCATGAGTCAAAGCAAATCCAAGTATGTT-3'

ClinVar aggregate classification (germline): Uncertain significance (1 of 4 stars; one submission).

Allele frequency attached by ClinVar (database versions not stated): gnomAD 0.00001.

Submission:

Labcorp Genetics (formerly Invitae), Labcorp
Classification: Uncertain significance. Last evaluated: 2023-07-28. Review status: criteria provided, single submitter. Criteria: Invitae Variant Classification Sherloc (09022015). Collection method: clinical testing. Allele origin: germline.
Comment: In summary, the available evidence is currently insufficient to determine the role of this variant in disease. Therefore, it has been classified as a Variant of Uncertain Significance. Algorithms developed to predict the effect of sequence changes on RNA splicing suggest that this variant may disrupt the consensus splice site. This variant has not been reported in the literature in individuals affected with SLC10A2-related conditions. This variant is present in population databases (rs776179675, gnomAD 0.003%). This sequence change affects an acceptor splice site in intron 3 of the SLC10A2 gene. It is expected to disrupt RNA splicing. Variants that disrupt the donor or acceptor splice site typically lead to a loss of protein function (PMID: 16199547), however the current clinical and genetic evidence is not sufficient to establish whether loss-of-function variants in SLC10A2 cause disease.

Literature cited by the submitters: PubMed 16199547.